The following is an entry in ClinVar:

ClinVar aggregate classification (germline): Pathogenic (1 of 4 stars; one submission).

Conditions:
Partial hypoxanthine-guanine phosphoribosyltransferase deficiency. Also called: GOUT, HPRT-RELATED; HPRT DEFICIENCY, PARTIAL; HYPOXANTHINE GUANINE PHOSPHORIBOSYLTRANSFERASE 1 DEFICIENCY, PARTIAL; Kelley-Seegmiller Syndrome; HPRT1 DEFICIENCY, PARTIAL. Identifiers: Orphanet 79233, MedGen C0268117, MONDO:0010299, OMIM 300323.
Lesch-Nyhan syndrome (LNS). Also called: Lesch-Nyhan Disease (LND); HPRT DEFICIENCY, COMPLETE. Identifiers: Orphanet 510, MedGen C0023374, MONDO:0010298, OMIM 300322.

Submission:

Labcorp Genetics (formerly Invitae), Labcorp
Classification: Pathogenic for Lesch-Nyhan syndrome; Partial hypoxanthine-guanine phosphoribosyltransferase deficiency. Last evaluated: 2024-09-27. Review status: criteria provided, single submitter. Criteria: Invitae Variant Classification Sherloc (09022015). Collection method: clinical testing. Allele origin: germline.
Comment: This sequence change replaces glycine, which is neutral and non-polar, with arginine, which is basic and polar, at codon 70 of the HPRT1 protein (p.Gly70Arg). This variant is not present in population databases (gnomAD no frequency). This missense change has been observed in individual(s) with Lesch-Nyhan syndrome (PMID: 8112742, 8314557, 22132982). An algorithm developed to predict the effect of missense changes on protein structure and function (PolyPhen-2) suggests that this variant is likely to be disruptive. Experimental studies have shown that this missense change affects HPRT1 function (PMID: 8112742). This variant disrupts the p.Gly70 amino acid residue in HPRT1. Other variant(s) that disrupt this residue have been determined to be pathogenic (PMID: 11018746, 16549399, 17454734, 22157001). This suggests that this residue is clinically significant, and that variants that disrupt this residue are likely to be disease-causing. For these reasons, this variant has been classified as Pathogenic.

Literature cited by the submitters: PubMed 8112742; PubMed 8314557; PubMed 22132982; PubMed 11018746; PubMed 16549399; PubMed 17454734; PubMed 22157001.

NM_000194.3(HPRT1):c.208G>A (p.Gly70Arg)

Gene: HPRT1 (hypoxanthine phosphoribosyltransferase 1; plus strand). Cytogenetic location: Xq26.2.
Variant type: single nucleotide variant.
Coding change: c.208G>A on transcript NM_000194.3 (MANE Select); coding-DNA position 208, G replaced by A.
Protein change: p.Gly70Arg; replaces glycine 70 with arginine.
Molecular consequence: missense variant.
Genome position (GRCh38, 1-based): chrX:134,475,254, G>A. VCF-style: chrX-134475254-G-A. GRCh37 (hg19) VCF-style: chrX-133609284-G-A.
Other names: short protein forms G70R.
Identifiers: ClinVar variation 3759674 (VCV003759674.2).